The following is an entry in ClinVar:

NM_002618.4(PEX13):c.*1194G>A

Gene: PEX13 (peroxisomal biogenesis factor 13; plus strand). Cytogenetic location: 2p15.
Variant type: single nucleotide variant.
Coding change: c.*1194G>A on transcript NM_002618.4 (MANE Select); 1194 bases downstream of the stop codon, G replaced by A.
Molecular consequence: 3 prime UTR variant.
Genome position (GRCh38, 1-based): chr2:61,049,964, G>A. VCF-style: chr2-61049964-G-A. GRCh37 (hg19) VCF-style: chr2-61277099-G-A.
Identifiers: ClinVar variation 336687 (VCV000336687.6), dbSNP rs75205376, ClinGen allele CA10613725.

ClinVar aggregate classification (germline): Benign. Review status: criteria provided, multiple submitters, no conflicts (2 of 4 stars). 2 submissions from 2 submitters: Benign (2). Last evaluated 2018-01-13.

Conditions:
Peroxisome biogenesis disorder 11A (Zellweger). Also called: Peroxisome biogenesis disorder 11A. Identifiers: Orphanet 912, MedGen C3554000, MONDO:0013949, OMIM 614883.

Allele frequency attached by ClinVar (database versions not stated): gnomAD exomes 0.15833; TOPMed 0.13132; 1000 Genomes Project 0.07628; gnomAD 0.13452 and 0.13689; 1000 Genomes Project 30x 0.07792.
gnomAD v4.1: 20,593 of 152,114 alleles (14%); highest among the groups gnomAD compares: Non-Finnish European, 20%; 1,910 homozygotes.

Submissions (2):

Illumina Laboratory Services, Illumina
Classification: Benign for Peroxisome biogenesis disorder 11A (Zellweger). Last evaluated: 2018-01-13. Review status: criteria provided, single submitter. Criteria: ICSL Variant Classification Criteria 13 December 2019. Collection method: clinical testing. Allele origin: germline.
Comment: This variant was observed in the ICSL laboratory as part of a predisposition screen in an ostensibly healthy population. It had not been previously curated by ICSL or reported in the Human Gene Mutation Database (HGMD: prior to June 1st, 2018), and was therefore a candidate for classification through an automated scoring system. Utilizing variant allele frequency, disease prevalence and penetrance estimates, and inheritance mode, an automated score was calculated to assess if this variant is too frequent to cause the disease. Based on the score and internal cut-off values, a variant classified as benign is not then subjected to further curation. The score for this variant resulted in a classification of benign for this disease.

Breakthrough Genomics
Classification: Benign. Review status: criteria provided, single submitter. Criteria: ACMG Guidelines, 2015. Collection method: not provided. Allele origin: germline. Inheritance: Autosomal recessive inheritance. Affected: yes.